The following is an entry in ClinVar:

ClinVar aggregate classification (germline): Uncertain significance (1 of 4 stars; one submission).

Conditions:
Fanconi anemia (FA). Also called: Fanconi's anemia. Identifiers: Orphanet 84, MedGen C0015625, MeSH D005199, MONDO:0019391.

Allele frequency attached by ClinVar (database versions not stated): gnomAD exomes below 0.00001; ExAC 0.00002.

Submission:

Labcorp Genetics (formerly Invitae), Labcorp
Classification: Uncertain significance for Fanconi anemia. Last evaluated: 2021-01-25. Review status: criteria provided, single submitter. Criteria: Invitae Variant Classification Sherloc (09022015). Collection method: clinical testing. Allele origin: germline.
Comment: This sequence change affects codon 649 of the FANCD2 mRNA. It is a 'silent' change, meaning that it does not change the encoded amino acid sequence of the FANCD2 protein. This variant also falls at the last nucleotide of exon 21, which is part of the consensus splice site for this exon. This variant is present in population databases (rs753041155, ExAC 0.02%). This variant has not been reported in the literature in individuals with FANCD2-related conditions. Nucleotide substitutions within the consensus splice site are a relatively common cause of aberrant splicing (PMID: 17576681, 9536098). Algorithms developed to predict the effect of sequence changes on RNA splicing suggest that this variant may disrupt the consensus splice site, but this prediction has not been confirmed by published transcriptional studies. In summary, the available evidence is currently insufficient to determine the role of this variant in disease. Therefore, it has been classified as a Variant of Uncertain Significance.

Literature cited by the submitters: PubMed 17576681; PubMed 9536098.

NM_001018115.3(FANCD2):c.1947G>C (p.Leu649=)

Genes: FANCD2 (FA complementation group D2; plus strand), LOC107303338 (3p25 FANCD2 Alu-mediated recombination region; plus strand). Cytogenetic location: 3p25.3.
Variant type: single nucleotide variant.
Coding change: c.1947G>C on transcript NM_001018115.3 (MANE Select); coding-DNA position 1947, G replaced by C.
Protein change: p.Leu649=; no amino-acid change (leucine 649 retained).
Molecular consequence: synonymous variant.
Genome position (GRCh38, 1-based): chr3:10,063,911, G>C. VCF-style: chr3-10063911-G-C. GRCh37 (hg19) VCF-style: chr3-10105595-G-C.
Other names: c.1947G>C, p.Leu649= (NM_001319984.2, NM_001374254.1, NM_033084.6); c.1836G>C, p.Leu612= (NM_001374253.1).
Identifiers: ClinVar variation 1504563 (VCV001504563.6), dbSNP rs753041155, ClinGen allele CA2249879.